The following is an entry in ClinVar:

NM_000191.3(HMGCL):c.733A>T (p.Thr245Ser)

Gene: HMGCL (3-hydroxy-3-methylglutaryl-CoA lyase; minus strand). Cytogenetic location: 1p36.11.
Variant type: single nucleotide variant.
Coding change: c.733A>T on transcript NM_000191.3 (MANE Select); coding-DNA position 733, A replaced by T.
Protein change: p.Thr245Ser; replaces threonine 245 with serine.
Molecular consequence: missense variant.
Genome position (GRCh38, 1-based): chr1:23,808,152, T>A on the plus strand (A>T on the coding strand, the complement: HMGCL is on the minus strand). VCF-style: chr1-23808152-T-A. GRCh37 (hg19) VCF-style: chr1-24134642-T-A.
Other names: c.520A>T, p.Thr174Ser (NM_001166059.2); c.733A>T (NM_000191.2); short protein forms T245S, T174S.
Identifiers: ClinVar variation 1480632 (VCV001480632.6), dbSNP rs764926275, ClinGen allele CA685998.

ClinVar aggregate classification (germline): Uncertain significance. Review status: criteria provided, multiple submitters, no conflicts (2 of 4 stars). 4 submissions from 4 submitters: Uncertain significance (4). Last evaluated 2024-03-21.

Conditions:
Inborn genetic diseases. Identifiers: MedGen C0950123, MeSH D030342.
Deficiency of hydroxymethylglutaryl-CoA lyase (HMGCLD). Also called: HMGCL DEFICIENCY; HYDROXYMETHYLGLUTARIC ACIDURIA; HMG-CoA LYASE DEFICIENCY; Defect in leucine metabolism; 3-hydroxy-3-methylglutaric aciduria. Identifiers: Orphanet 20, MedGen C1533587, MONDO:0009520, OMIM 246450.

Allele frequency attached by ClinVar (database versions not stated): gnomAD exomes 0.00001; ExAC 0.00002; gnomAD 0.00002.

Submissions (4):

Blueprint Genetics
Classification: Uncertain significance. Last evaluated: 2024-03-21. Review status: criteria provided, single submitter. Criteria: ACMG Guidelines, 2015. Collection method: clinical testing. Allele origin: germline.

Genome-Nilou Lab
Classification: Uncertain significance for Deficiency of hydroxymethylglutaryl-CoA lyase. Last evaluated: 2023-04-11. Review status: criteria provided, single submitter. Criteria: ACMG Guidelines, 2015. Collection method: clinical testing. Allele origin: germline. Affected: no.

Labcorp Genetics (formerly Invitae), Labcorp
Classification: Uncertain significance for Deficiency of hydroxymethylglutaryl-CoA lyase. Last evaluated: 2022-07-29. Review status: criteria provided, single submitter. Criteria: Invitae Variant Classification Sherloc (09022015). Collection method: clinical testing. Allele origin: germline.
Comment: This sequence change replaces threonine, which is neutral and polar, with serine, which is neutral and polar, at codon 245 of the HMGCL protein (p.Thr245Ser). This variant is present in population databases (rs764926275, gnomAD 0.003%). This variant has not been reported in the literature in individuals affected with HMGCL-related conditions. ClinVar contains an entry for this variant (Variation ID: 1480632). Algorithms developed to predict the effect of missense changes on protein structure and function (SIFT, PolyPhen-2, Align-GVGD) all suggest that this variant is likely to be tolerated. In summary, the available evidence is currently insufficient to determine the role of this variant in disease. Therefore, it has been classified as a Variant of Uncertain Significance.

Ambry Genetics
Classification: Uncertain significance for Inborn genetic diseases. Last evaluated: 2021-10-18. Review status: criteria provided, single submitter. Criteria: Ambry Variant Classification Scheme 2023. Collection method: clinical testing. Allele origin: germline.